The following is an entry in ClinVar:

ClinVar aggregate classification (germline): Uncertain significance. Review status: criteria provided, multiple submitters, no conflicts (2 of 4 stars). 2 submissions from 2 submitters: Uncertain significance (2). Last evaluated 2025-03-04.

Conditions:
POLD1-related polyposis and colorectal cancer syndrome (CRCS10). Also called: Colorectal cancer 10; COLORECTAL CANCER, SUSCEPTIBILITY TO, ON CHROMOSOME 19q; Colorectal cancer, susceptibility to, 10. Identifiers: Orphanet 220460, MedGen C2675481, MONDO:0012953, OMIM 612591.

Submissions (2):

Center for Genomic Medicine, Rigshospitalet, Copenhagen University Hospital
Classification: Uncertain significance. Last evaluated: 2025-03-04. Review status: criteria provided, single submitter. Criteria: ACMG Guidelines, 2015. Collection method: clinical testing. Allele origin: germline.

Labcorp Genetics (formerly Invitae), Labcorp
Classification: Uncertain significance for POLD1-related polyposis and colorectal cancer syndrome. Last evaluated: 2023-07-16. Review status: criteria provided, single submitter. Criteria: Invitae Variant Classification Sherloc (09022015). Collection method: clinical testing. Allele origin: germline.
Comment: In summary, the available evidence is currently insufficient to determine the role of this variant in disease. Therefore, it has been classified as a Variant of Uncertain Significance. Advanced modeling of protein sequence and biophysical properties (such as structural, functional, and spatial information, amino acid conservation, physicochemical variation, residue mobility, and thermodynamic stability) performed at Invitae indicates that this missense variant is expected to disrupt POLD1 protein function. This variant has not been reported in the literature in individuals affected with POLD1-related conditions. This variant is not present in population databases (gnomAD no frequency). This sequence change replaces arginine, which is basic and polar, with proline, which is neutral and non-polar, at codon 505 of the POLD1 protein (p.Arg505Pro).

NM_002691.4(POLD1):c.1514G>C (p.Arg505Pro)

Gene: POLD1 (DNA polymerase delta 1, catalytic subunit; plus strand). Cytogenetic location: 19q13.33.
Variant type: single nucleotide variant.
Coding change: c.1514G>C on transcript NM_002691.4 (MANE Select); coding-DNA position 1514, G replaced by C.
Protein change: p.Arg505Pro; replaces arginine 505 with proline.
Molecular consequence: missense variant. On other transcripts: non-coding transcript variant (1).
Genome position (GRCh38, 1-based): chr19:50,407,002, G>C. VCF-style: chr19-50407002-G-C. GRCh37 (hg19) VCF-style: chr19-50910259-G-C.
Other names: c.1514G>C, p.Arg505Pro (NM_001256849.1, NM_001308632.1); short protein forms R505P.
Identifiers: ClinVar variation 2850411 (VCV002850411.5), dbSNP rs1043752384, ClinGen allele CA406980784.